The following is an entry in ClinVar:

NM_000219.6(KCNE1):c.259T>C (p.Trp87Arg)

Gene: KCNE1 (potassium voltage-gated channel subfamily E regulatory subunit 1; minus strand). Cytogenetic location: 21q22.12.
Variant type: single nucleotide variant.
Coding change: c.259T>C on transcript NM_000219.6 (MANE Select); coding-DNA position 259, T replaced by C.
Protein change: p.Trp87Arg; replaces tryptophan 87 with arginine.
Molecular consequence: missense variant.
Genome position (GRCh38, 1-based): chr21:34,449,376, A>G on the plus strand (T>C on the coding strand, the complement: KCNE1 is on the minus strand). VCF-style: chr21-34449376-A-G. GRCh37 (hg19) VCF-style: chr21-35821674-A-G.
Other names: c.259T>C, p.Trp87Arg (NM_001127668.4, NM_001127669.4, NM_001127670.4 and 4 more transcripts); c.259T>C (LRG_290t1); short protein forms W87R.
Identifiers: ClinVar variation 132675 (VCV000132675.4), dbSNP rs199473361, ClinGen allele CA331960.

ClinVar aggregate classification (germline): Likely pathogenic. Review status: criteria provided, single submitter (1 of 4 stars). 2 submissions from 2 submitters: Likely pathogenic (1). 1 of the submissions does not count toward it. Last evaluated 2025-12-29.

Conditions:
Familial long QT syndrome (RWS). Also called: Congenital long QT syndrome; VENTRICULAR FIBRILLATION WITH PROLONGED QT INTERVAL; Romano-Ward syndrome. Identifiers: Orphanet 768, MedGen C1141890, MONDO:0019171.
Long QT syndrome (LQTS). Identifiers: MedGen C0023976, MeSH D008133, MONDO:0002442. Disease mechanism: loss of function. Inheritance: Various modes of inheritance.

Allele frequency attached by ClinVar (database versions not stated): gnomAD exomes below 0.00001.
gnomAD v4.1: 1 of 1,604,994 alleles (0.000062%); highest among the groups gnomAD compares: Non-Finnish European, 0.000085%; no homozygotes.

Submissions (3):

Labcorp Genetics (formerly Invitae), Labcorp
Classification: Likely pathogenic for Long QT syndrome. Last evaluated: 2025-12-29. Review status: criteria provided, single submitter. Criteria: Invitae Variant Classification Sherloc (09022015). Collection method: clinical testing. Allele origin: germline.
Comment: This sequence change replaces tryptophan, which is neutral and slightly polar, with arginine, which is basic and polar, at codon 87 of the KCNE1 protein (p.Trp87Arg). This variant is not present in population databases (gnomAD no frequency). This missense change has been observed in individual(s) with clinical features of long QT syndrome (PMID: 10400998). It has also been observed to segregate with disease in related individuals. ClinVar contains an entry for this variant (Variation ID: 132675). Invitae Evidence Modeling of protein sequence and biophysical properties (such as structural, functional, and spatial information, amino acid conservation, physicochemical variation, residue mobility, and thermodynamic stability) has been performed for this missense variant. However, the output from this modeling did not meet the statistical confidence thresholds required to predict the impact of this variant on KCNE1 protein function. Experimental studies have shown that this missense change affects KCNE1 function (PMID: 10400998, 12566567, 16945797, 38816749). In summary, the currently available evidence indicates that the variant is pathogenic, but additional data are needed to prove that conclusively. Therefore, this variant has been classified as Likely Pathogenic.

Cardiovascular Biomedical Research Unit, Royal Brompton & Harefield NHS Foundation Trust
No classification provided. Condition: Familial long QT syndrome. Review status: no classification provided. Collection method: literature only. Allele origin: germline. Not counted in ClinVar's aggregate classification.
Comment: This variant has been reported as associated with Long QT syndrome in the following publications (PMID:10400998). This is a literature report, and does not necessarily reflect the clinical interpretation of the Imperial College / Royal Brompton Cardiovascular Genetics laboratory.

Roden Lab, Vanderbilt University Medical Center
No classification provided (evidence only). Condition: Long QT syndrome 5. Review status: no classification provided. Collection method: in vitro. Allele origin: not applicable. Functional consequence: Effect on ion channel function. Not counted in ClinVar's aggregate classification.
ClinVar note: "not provided" was previously submitted as the classification for the variant. However, the classification appeared to be based only on an observation of functional data so it was converted to no classification on 2025-07-30.

Literature cited by the submitters: PubMed 10400998 (cited by Labcorp Genetics (formerly Invitae), Labcorp and Cardiovascular Biomedical Research Unit, Royal Brompton & Harefield NHS Foundation Trust); PubMed 12566567 (cited by Labcorp Genetics (formerly Invitae), Labcorp); PubMed 16945797 (cited by Labcorp Genetics (formerly Invitae), Labcorp); PubMed 38816749 (cited by Labcorp Genetics (formerly Invitae), Labcorp); PubMed 22581653 (cited by Cardiovascular Biomedical Research Unit, Royal Brompton & Harefield NHS Foundation Trust).